The following is an entry in ClinVar:

ClinVar aggregate classification (germline): Likely pathogenic (1 of 4 stars; one submission).

Conditions:
Cobalamin C disease. Also called: Methylmalonic aciduria with homocystinuria cblC type; Cobalamin-C methylmalonic acidemia and homocystinuria; Methylmalonic acidemia and homocystinuria cblC type; Methylmalonic aciduria and homocystinuria, Vitamin B12-responsive; Vitamin B12 metabolic defect with combined deficiency of methylmalonyl-CoA mutase and homocysteine:methyltetrahydrofolate methyltransferase; methylmalonic aciduria and homocystinuria type cblC. Identifiers: Orphanet 26, Orphanet 79282, MedGen C1848561, MONDO:0010184, OMIM 277400.

Submission:

3billion
Classification: Likely pathogenic for Cobalamin C disease. Last evaluated: 2024-09-13. Review status: criteria provided, single submitter. Criteria: ACMG Guidelines, 2015. Collection method: clinical testing. Allele origin: germline. Affected: yes.
Comment: The variant is not observed in the gnomAD v4.0.0 dataset. Predicted Consequence/Location: Frameshift: predicted to result in a loss or disruption of normal protein function through protein truncation. The predicted truncated protein may be shortened by more than 10%. Therefore, this variant is classified as Likely pathogenic according to the recommendation of ACMG/AMP guideline.

NM_015506.3(MMACHC):c.478_565dup (p.Arg189delinsHisProArgGlySerAlaAlaAlaArgAspArgGlyAlaArgSerAlaThrGlnLysThrSerTer)

Gene: MMACHC (metabolism of cobalamin associated C; plus strand). Cytogenetic location: 1p34.1.
Variant type: Duplication.
Coding change: c.478_565dup on transcript NM_015506.3 (MANE Select); coding-DNA positions 478 to 565, 88 bases duplicated.
Protein change: p.Arg189delinsHisProArgGlySerAlaAlaAlaArgAspArgGlyAlaArgSerAlaThrGlnLysThrSerTer.
Molecular consequence: nonsense.
Genome position (GRCh38, 1-based): chr1:45,508,844-45,508,931, 88 bases duplicated. GRCh37 (hg19): chr1:45,974,516-45,974,603.
Other names: c.307_394dup, p.Arg132delinsHisProArgGlySerAlaAlaAlaArgAspArgGlyAlaArgSerAlaThrGlnLysThrSerTer (NM_001330540.2).
Identifiers: ClinVar variation 4293332 (VCV004293332.1).